The following is an entry in ClinVar:

NM_022455.5(NSD1):c.922C>G (p.Pro308Ala)

Gene: NSD1 (nuclear receptor binding SET domain protein 1; plus strand). Cytogenetic location: 5q35.3.
Variant type: single nucleotide variant.
Coding change: c.922C>G on transcript NM_022455.5 (MANE Select); coding-DNA position 922, C replaced by G.
Protein change: p.Pro308Ala; replaces proline 308 with alanine.
Molecular consequence: missense variant.
Genome position (GRCh38, 1-based): chr5:177,136,025, C>G. VCF-style: chr5-177136025-C-G. GRCh37 (hg19) VCF-style: chr5-176563026-C-G.
Other names: c.49C>G, p.Pro17Ala (NM_001365684.2, NM_001409305.1, NM_001409306.1 and 4 more transcripts); c.922C>G, p.Pro308Ala (NM_001409301.1, NM_001409302.1, NM_001409303.1); c.502C>G, p.Pro168Ala (NM_001409304.1); short protein forms P168A, P17A, P39A, P308A.
Identifiers: ClinVar variation 2059991 (VCV002059991.4), dbSNP rs112475345, ClinGen allele CA132834929.

ClinVar aggregate classification (germline): Uncertain significance (1 of 4 stars; one submission).

Allele frequency attached by ClinVar (database versions not stated): gnomAD exomes below 0.00001.
gnomAD v4.1: 20 of 1,613,674 alleles (0.0012%); highest among the groups gnomAD compares: African/African-American, 0.0053%; no homozygotes.

Submission:

Labcorp Genetics (formerly Invitae), Labcorp
Classification: Uncertain significance. Last evaluated: 2025-11-18. Review status: criteria provided, single submitter. Criteria: Invitae Variant Classification Sherloc (09022015). Collection method: clinical testing. Allele origin: germline.
Comment: This sequence change replaces proline, which is neutral and non-polar, with alanine, which is neutral and non-polar, at codon 308 of the NSD1 protein (p.Pro308Ala). This variant is not present in population databases (gnomAD no frequency). This variant has not been reported in the literature in individuals affected with NSD1-related conditions. ClinVar contains an entry for this variant (Variation ID: 2059991). Invitae Evidence Modeling of protein sequence and biophysical properties (such as structural, functional, and spatial information, amino acid conservation, physicochemical variation, residue mobility, and thermodynamic stability) has been performed for this missense variant. However, the output from this modeling did not meet the statistical confidence thresholds required to predict the impact of this variant on NSD1 protein function. In summary, the available evidence is currently insufficient to determine the role of this variant in disease. Therefore, it has been classified as a Variant of Uncertain Significance.